The following is an entry in ClinVar:

NM_000110.4(DPYD):c.2195T>G (p.Val732Gly)

Genes: DPYD (dihydropyrimidine dehydrogenase; minus strand), DPYD-AS1 (DPYD antisense RNA 1; plus strand). Cytogenetic location: 1p21.3.
Variant type: single nucleotide variant.
Coding change: c.2195T>G on transcript NM_000110.4 (MANE Select); coding-DNA position 2195, T replaced by G.
Protein change: p.Val732Gly; replaces valine 732 with glycine.
Molecular consequence: missense variant.
Genome position (GRCh38, 1-based): chr1:97,305,363, A>C on the plus strand (T>G on the coding strand, the complement: DPYD is on the minus strand). VCF-style: chr1-97305363-A-C. GRCh37 (hg19) VCF-style: chr1-97770919-A-C.
Other names: short protein forms V732G.
Identifiers: ClinVar variation 3352671 (VCV003352671.4).

ClinVar aggregate classification (germline): Uncertain significance. Review status: criteria provided, multiple submitters, no conflicts (2 of 4 stars). 3 submissions from 3 submitters: Uncertain significance (2). 1 of the submissions does not count toward it. Last evaluated 2025-12-31.

Conditions:
DPYD-related disorder. Also called: DPYD-related condition.

gnomAD v4.1: 163 of 1,612,384 alleles (0.01%); highest among the groups gnomAD compares: African/African-American, 0.19%; no homozygotes.

Submissions (3):

GeneDx
Classification: Uncertain significance. Last evaluated: 2025-12-31. Review status: criteria provided, single submitter. Criteria: GeneDx Variant Classification Process June 2021. Collection method: clinical testing. Allele origin: germline.
Comment: In silico analysis supports that this missense variant has a deleterious effect on protein structure/function; Has not been previously published as pathogenic or benign in association with neurodevelopmental disorders to our knowledge; This variant is associated with the following publications: (PMID: 36094413, 38745766)

Blueprint Genetics
Classification: Uncertain significance. Last evaluated: 2024-11-25. Review status: criteria provided, single submitter. Criteria: ACMG Guidelines, 2015. Collection method: clinical testing. Allele origin: germline.

PreventionGenetics, part of Exact Sciences
Classification: Likely benign for DPYD-related condition. Last evaluated: 2024-05-06. Review status: no assertion criteria provided. Collection method: clinical testing. Allele origin: germline. Not counted in ClinVar's aggregate classification.
Comment: This variant is classified as likely benign based on ACMG/AMP sequence variant interpretation guidelines (Richards et al. 2015 PMID: 25741868, with internal and published modifications).